The following is an entry in ClinVar:

ClinVar aggregate classification (germline): Uncertain significance (1 of 4 stars; one submission).

gnomAD v4.1: 2 of 1,614,146 alleles (0.00012%); highest among the groups gnomAD compares: Non-Finnish European, 0.00017%; no homozygotes.

Submission:

Labcorp Genetics (formerly Invitae), Labcorp
Classification: Uncertain significance. Last evaluated: 2022-04-28. Review status: criteria provided, single submitter. Criteria: Invitae Variant Classification Sherloc (09022015). Collection method: clinical testing. Allele origin: germline.
Comment: In summary, the available evidence is currently insufficient to determine the role of this variant in disease. Therefore, it has been classified as a Variant of Uncertain Significance. Algorithms developed to predict the effect of missense changes on protein structure and function output the following: SIFT: "Deleterious"; PolyPhen-2: "Benign"; Align-GVGD: "Class C25". The arginine amino acid residue is found in multiple mammalian species, which suggests that this missense change does not adversely affect protein function. This variant has not been reported in the literature in individuals affected with ZNF335-related conditions. This variant is present in population databases (no rsID available, gnomAD 0.0009%). This sequence change replaces lysine, which is basic and polar, with arginine, which is basic and polar, at codon 650 of the ZNF335 protein (p.Lys650Arg).

NM_022095.4(ZNF335):c.1949A>G (p.Lys650Arg)

Gene: ZNF335 (zinc finger protein 335; minus strand). Cytogenetic location: 20q13.12.
Variant type: single nucleotide variant.
Coding change: c.1949A>G on transcript NM_022095.4 (MANE Select); coding-DNA position 1949, A replaced by G.
Protein change: p.Lys650Arg; replaces lysine 650 with arginine.
Molecular consequence: missense variant.
Genome position (GRCh38, 1-based): chr20:45,960,279, T>C on the plus strand (A>G on the coding strand, the complement: ZNF335 is on the minus strand). VCF-style: chr20-45960279-T-C. GRCh37 (hg19) VCF-style: chr20-44588918-T-C.
Other names: short protein forms K650R.
Identifiers: ClinVar variation 1926542 (VCV001926542.5), dbSNP rs767259841, ClinGen allele CA409245896.